The following is an entry in ClinVar:

ClinVar aggregate classification (germline): Uncertain significance. Review status: criteria provided, multiple submitters, no conflicts (2 of 4 stars). 2 submissions from 2 submitters: Uncertain significance (2). Last evaluated 2026-04-19.

Allele frequency attached by ClinVar (database versions not stated): gnomAD exomes 0.00001; gnomAD 0.00003; ESP Exome Variant Server 0.00015; TOPMed 0.00003; ExAC 0.00004.
gnomAD v4.1: 18 of 1,614,056 alleles (0.0011%); highest among the groups gnomAD compares: African/African-American, 0.008%; no homozygotes.

Submissions (2):

GeneDx
Classification: Uncertain significance. Last evaluated: 2026-04-19. Review status: criteria provided, single submitter. Criteria: GeneDx Variant Classification Process June 2021. Collection method: clinical testing. Allele origin: germline.
Comment: Not observed at significant frequency in large population cohorts (gnomAD); In silico analysis suggests that this missense variant does not alter protein structure/function; Has not been previously published as pathogenic or benign to our knowledge

Labcorp Genetics (formerly Invitae), Labcorp
Classification: Uncertain significance. Last evaluated: 2024-12-02. Review status: criteria provided, single submitter. Criteria: Invitae Variant Classification Sherloc (09022015). Collection method: clinical testing. Allele origin: germline.
Comment: This sequence change replaces arginine, which is basic and polar, with cysteine, which is neutral and slightly polar, at codon 1694 of the SZT2 protein (p.Arg1694Cys). This variant is present in population databases (rs146304942, gnomAD 0.003%). This variant has not been reported in the literature in individuals affected with SZT2-related conditions. ClinVar contains an entry for this variant (Variation ID: 644491). Invitae Evidence Modeling of protein sequence and biophysical properties (such as structural, functional, and spatial information, amino acid conservation, physicochemical variation, residue mobility, and thermodynamic stability) indicates that this missense variant is not expected to disrupt SZT2 protein function with a negative predictive value of 80%. In summary, the available evidence is currently insufficient to determine the role of this variant in disease. Therefore, it has been classified as a Variant of Uncertain Significance.

NM_001365999.1(SZT2):c.5251C>T (p.Arg1751Cys)

Gene: SZT2 (SZT2 subunit of KICSTOR complex; plus strand). Cytogenetic location: 1p34.2.
Variant type: single nucleotide variant.
Coding change: c.5251C>T on transcript NM_001365999.1 (MANE Select); coding-DNA position 5251, C replaced by T.
Protein change: p.Arg1751Cys; replaces arginine 1751 with cysteine.
Molecular consequence: missense variant.
Genome position (GRCh38, 1-based): chr1:43,431,878, C>T. VCF-style: chr1-43431878-C-T. GRCh37 (hg19) VCF-style: chr1-43897549-C-T.
Other names: c.5080C>T, p.Arg1694Cys (NM_015284.4); short protein forms R1694C, R1751C.
Identifiers: ClinVar variation 644491 (VCV000644491.8), dbSNP rs146304942, ClinGen allele CA809518.
Genomic context (GRCh38, chr1:43,431,878, plus strand): 5'-CCTGGACGCTCCACCTGCCTTCGCCAAACTCTGCCACTGAGTTTTGTATTTGGGCCAGAG[C>T]GTTCCCTCACACAATTCAAGGAGGTAAGTTGCCCTCCAAACACTGCAGGGTCACCTTGGG-3'
Protein context (NP_001352928.1, residues 1741-1761): LPLSFVFGPE[Arg1751Cys]SLTQFKEEFR